The following is an entry in ClinVar:

ClinVar aggregate classification (germline): Uncertain significance (1 of 4 stars; one submission).

Submission:

GeneDx
Classification: Uncertain significance. Last evaluated: 2024-01-24. Review status: criteria provided, single submitter. Criteria: GeneDx Variant Classification Process June 2021. Collection method: clinical testing. Allele origin: germline. Affected: yes.
Comment: Not observed at significant frequency in large population cohorts (gnomAD); In silico analysis supports that this missense variant has a deleterious effect on protein structure/function; Has not been previously published as pathogenic or benign to our knowledge

NM_001105206.3(LAMA4):c.5318G>C (p.Gly1773Ala)

Gene: LAMA4 (laminin subunit alpha 4; minus strand). Cytogenetic location: 6q21.
Variant type: single nucleotide variant.
Coding change: c.5318G>C on transcript NM_001105206.3 (MANE Select); coding-DNA position 5318, G replaced by C.
Protein change: p.Gly1773Ala; replaces glycine 1773 with alanine.
Molecular consequence: missense variant.
Genome position (GRCh38, 1-based): chr6:112,114,084, C>G on the plus strand (G>C on the coding strand, the complement: LAMA4 is on the minus strand). VCF-style: chr6-112114084-C-G. GRCh37 (hg19) VCF-style: chr6-112435287-C-G.
Other names: c.5297G>C, p.Gly1766Ala (NM_001105207.3, NM_002290.5); short protein forms G1766A, G1773A.
Identifiers: ClinVar variation 3368283 (VCV003368283.1).